The following is an entry in ClinVar:

ClinVar aggregate classification (germline): Uncertain significance (1 of 4 stars; one submission).

gnomAD v4.1: 2 of 1,608,768 alleles (0.00012%); highest among the groups gnomAD compares: Non-Finnish European, 0.00017%; no homozygotes.

Submission:

Labcorp Genetics (formerly Invitae), Labcorp
Classification: Uncertain significance. Last evaluated: 2024-02-21. Review status: criteria provided, single submitter. Criteria: Invitae Variant Classification Sherloc (09022015). Collection method: clinical testing. Allele origin: germline.
Comment: This sequence change replaces glutamic acid, which is acidic and polar, with lysine, which is basic and polar, at codon 890 of the MICAL1 protein (p.Glu890Lys). This variant is not present in population databases (gnomAD no frequency). This variant has not been reported in the literature in individuals affected with MICAL1-related conditions. Algorithms developed to predict the effect of missense changes on protein structure and function output the following: SIFT: "Not Available"; PolyPhen-2: "Benign"; Align-GVGD: "Not Available". The lysine amino acid residue is found in multiple mammalian species, which suggests that this missense change does not adversely affect protein function. In summary, the available evidence is currently insufficient to determine the role of this variant in disease. Therefore, it has been classified as a Variant of Uncertain Significance.

NM_022765.4(MICAL1):c.2611G>A (p.Glu871Lys)

Gene: MICAL1 (microtubule associated monooxygenase, calponin and LIM domain containing 1; minus strand). Cytogenetic location: 6q21.
Variant type: single nucleotide variant.
Coding change: c.2611G>A on transcript NM_022765.4 (MANE Select); coding-DNA position 2611, G replaced by A.
Protein change: p.Glu871Lys; replaces glutamic acid 871 with lysine.
Molecular consequence: missense variant.
Genome position (GRCh38, 1-based): chr6:109,445,833, C>T on the plus strand (G>A on the coding strand, the complement: MICAL1 is on the minus strand). VCF-style: chr6-109445833-C-T. GRCh37 (hg19) VCF-style: chr6-109767036-C-T.
Other names: c.2353G>A, p.Glu785Lys (NM_001159291.2); c.2668G>A, p.Glu890Lys (NM_001286613.2); short protein forms E785K, E890K, E871K.
Identifiers: ClinVar variation 3679927 (VCV003679927.2).
Genomic context (GRCh38, chr6:109,445,833, plus strand): 5'-GTTCCACATCTGAGTCCAAAGGCACATCTTCTTCTTCCTCTTCACTGGAGAAGGGACTCT[C>T]TTTTTCCTCCTTCTCCATGGCCACAAGAGCTGAGAAGAAGAACTGAGACGTTCTACTGCC-3'
Protein context (NP_073602.3, residues 861-881): ALVAMEKEEK[Glu871Lys]SPFSSEEEEE